The following is an entry in ClinVar:

NM_006013.5(RPL10):c.605= (p.Ser202=)

Gene: RPL10 (ribosomal protein L10; plus strand). Cytogenetic location: Xq28.
Variant type: single nucleotide variant.
Coding change: c.605= on transcript NM_006013.5 (MANE Select); coding-DNA position 605, no change from the reference sequence.
Protein change: p.Ser202=; no amino-acid change (serine 202 retained).
Molecular consequence: no sequence alteration.
Genome position: GRCh38 VCF-style: chrX-154400814-G-G. GRCh37 (hg19) VCF-style: chrX-153629155-A-G.
Other names: c.442=, p.Val148= (NM_001256577.2); c.497=, p.Ser166= (NM_001256580.2); c.605=, p.Ser202= (NM_001303624.2, NM_001303625.1); c.*156= (NM_001303626.1).
Identifiers: ClinVar variation 95327 (VCV000095327.15), dbSNP rs4909.

ClinVar aggregate classification (germline): Benign. Review status: criteria provided, multiple submitters, no conflicts (2 of 4 stars). 5 submissions from 5 submitters: Benign (4). 1 of the submissions does not count toward it. Last evaluated 2024-11-28.

Conditions:
Inborn genetic diseases. Identifiers: MedGen C0950123, MeSH D030342.

Allele frequency attached by ClinVar (database versions not stated): 1000 Genomes Project 30x 0.65869; TOPMed 0.66760; gnomAD 0.69154 and 0.70234; gnomAD exomes 0.89152.

Submissions (5):

Blueprint Genetics
Classification: Benign. Last evaluated: 2024-11-28. Review status: criteria provided, single submitter. Criteria: ACMG Guidelines, 2015. Collection method: clinical testing. Allele origin: germline.

Ambry Genetics
Classification: Benign for Inborn genetic diseases. Last evaluated: 2015-06-22. Review status: criteria provided, single submitter. Criteria: Ambry Variant Classification Scheme 2023. Collection method: clinical testing. Allele origin: germline.

Eurofins Ntd Llc (ga)
Classification: Benign. Last evaluated: 2013-02-15. Review status: criteria provided, single submitter. Criteria: EGL Classification Definitions 2015. Collection method: clinical testing. Allele origin: germline. Observed: 4 variant alleles, 1 heterozygote, 3 hemizygotes.

Breakthrough Genomics
Classification: Benign. Review status: criteria provided, single submitter. Criteria: ACMG Guidelines, 2015. Collection method: not provided. Allele origin: germline. Inheritance: X-linked inheritance. Affected: yes.

Genetic Services Laboratory, University of Chicago
Classification: Likely benign for AllHighlyPenetrant. Review status: no assertion criteria provided. Collection method: clinical testing. Allele origin: germline. Inheritance: X-linked inheritance. Not counted in ClinVar's aggregate classification.
Comment: Likely benign based on allele frequency in 1000 Genomes Project or ESP global frequency and its presence in a patient with a rare or unrelated disease phenotype. NOT Sanger confirmed.